The following is an entry in ClinVar:

ClinVar aggregate classification (germline): Conflicting classifications of pathogenicity. Review status: criteria provided, conflicting classifications (1 of 4 stars). 6 submissions from 6 submitters: Uncertain significance (1); Benign (1); Likely benign (4). Last evaluated 2026-08-21.

Conditions:
Inborn genetic diseases. Identifiers: MedGen C0950123, MeSH D030342.
COL4A1-related disorder. Also called: COL4A1-related condition; COL4A1-related disorders. Identifiers: MedGen CN376119, MONDO:0800461.

Allele frequency attached by ClinVar (database versions not stated): TOPMed 0.00020; gnomAD exomes 0.00021 and 0.00026; gnomAD 0.00025 and 0.00028; ExAC 0.00027; ESP Exome Variant Server 0.00038.
gnomAD v4.1: 355 of 1,613,766 alleles (0.022%); highest among the groups gnomAD compares: Middle Eastern, 0.15%; no homozygotes.

Submissions (6):

GeneDx
Classification: Uncertain significance. Last evaluated: 2026-08-21. Review status: criteria provided, single submitter. Criteria: GeneDx Variant Classification Process June 2021. Collection method: clinical testing. Allele origin: germline.
Comment: Occurs in the triple helical domain at the X position in the canonical Gly-X-Y repeat; although this variant may have an effect on normal protein folding and function, missense substitution at the X position is not a common mechanism of disease; In silico analysis suggests that this missense variant does not alter protein structure/function; Has not been previously published as pathogenic or benign to our knowledge

PreventionGenetics, part of Exact Sciences
Classification: Likely benign for COL4A1-related condition. Last evaluated: 2026-01-14. Review status: criteria provided, single submitter. Criteria: ACMG Guidelines, 2015. Collection method: clinical testing. Allele origin: germline.
Comment: This variant is classified as likely benign based on ACMG/AMP sequence variant interpretation guidelines (Richards et al. 2015 PMID: 25741868, with internal and published modifications).

Labcorp Genetics (formerly Invitae), Labcorp
Classification: Benign. Last evaluated: 2025-12-10. Review status: criteria provided, single submitter. Criteria: Invitae Variant Classification Sherloc (09022015). Collection method: clinical testing. Allele origin: germline.

CeGaT Center for Human Genetics Tuebingen
Classification: Likely benign. Last evaluated: 2025-10-01. Review status: criteria provided, single submitter. Criteria: CeGaT Center For Human Genetics Tuebingen Variant Classification Criteria Version 2. Collection method: clinical testing. Allele origin: germline. Affected: yes. Observed: 5 variant alleles.
Comment: COL4A1: BP4, BS2

Blueprint Genetics
Classification: Likely benign. Last evaluated: 2024-11-18. Review status: criteria provided, single submitter. Criteria: ACMG Guidelines, 2015. Collection method: clinical testing. Allele origin: germline.

Ambry Genetics
Classification: Likely benign for Inborn genetic diseases. Last evaluated: 2024-10-09. Review status: criteria provided, single submitter. Criteria: Ambry Variant Classification Scheme 2023. Collection method: clinical testing. Allele origin: germline.

NM_001845.6(COL4A1):c.2126C>T (p.Pro709Leu)

Gene: COL4A1 (collagen type IV alpha 1 chain; minus strand). Cytogenetic location: 13q34.
Variant type: single nucleotide variant.
Coding change: c.2126C>T on transcript NM_001845.6 (MANE Select); coding-DNA position 2126, C replaced by T.
Protein change: p.Pro709Leu; replaces proline 709 with leucine.
Molecular consequence: missense variant.
Genome position (GRCh38, 1-based): chr13:110,181,359, G>A on the plus strand (C>T on the coding strand, the complement: COL4A1 is on the minus strand). VCF-style: chr13-110181359-G-A. GRCh37 (hg19) VCF-style: chr13-110833706-G-A.
Other names: short protein forms P709L.
Identifiers: ClinVar variation 311056 (VCV000311056.63), dbSNP rs150129180, ClinGen allele CA7047693.